The following is an entry in ClinVar:

NM_001083961.2(WDR62):c.4264_4265delinsGTGGTCTGAG (p.His1422delinsValValTer)

Gene: WDR62 (WD repeat domain 62; plus strand). Cytogenetic location: 19q13.12.
Variant type: Indel.
Coding change: c.4264_4265delinsGTGGTCTGAG on transcript NM_001083961.2 (MANE Select); coding-DNA positions 4264 to 4265, CA replaced by GTGGTCTGAG.
Protein change: p.His1422delinsValValTer.
Molecular consequence: nonsense.
Genome position (GRCh38, 1-based): chr19:36,104,628-36,104,629, CA replaced by GTGGTCTGAG. VCF-style: chr19-36104628-CA-GTGGTCTGAG. GRCh37 (hg19) VCF-style: chr19-36595530-CA-GTGGTCTGAG.
Other names: c.4264_4265delCAinsGTGGTCTGAG (NM_001083961.1); c.4249_4250delinsGTGGTCTGAG, p.His1417delinsValValTer (NM_173636.5).
Identifiers: ClinVar variation 418831 (VCV000418831.4), dbSNP rs1064793462, ClinGen allele CA16620823.
Genomic context (GRCh38, chr19:36,104,628, plus strand): 5'-GTGCCGGTTGAAGCCCTGCCCCCATCTCCCCTTGAGCTGAGCAGGGTGGGGAACATCTTG[CA>GTGGTCTGAG]CAGGCTGCAGACCACCTTCCAAGAAGCCCTCGACCTTTACCGTGTGGTGAGCTAAGCCCC-3'

ClinVar aggregate classification (germline): Likely pathogenic (1 of 4 stars; one submission).

Submission:

GeneDx
Classification: Likely pathogenic. Last evaluated: 2024-08-21. Review status: criteria provided, single submitter. Criteria: GeneDx Variant Classification Process June 2021. Collection method: clinical testing. Allele origin: germline. Affected: yes.
Comment: Frameshift variant predicted to result in abnormal protein length as the last 102 amino acids are replaced with 2 different amino acids, and other similar variants have been reported in HGMD; Not observed at significant frequency in large population cohorts (gnomAD); Has not been previously published as pathogenic or benign to our knowledge